The following is an entry in ClinVar:

ClinVar aggregate classification (germline): Uncertain significance (1 of 4 stars; one submission).

gnomAD v4.1: 2 of 1,517,818 alleles (0.00013%); highest among the groups gnomAD compares: Non-Finnish European, 0.000089%; no homozygotes.

Submission:

GeneDx
Classification: Uncertain significance. Last evaluated: 2023-09-18. Review status: criteria provided, single submitter. Criteria: GeneDx Variant Classification Process June 2021. Collection method: clinical testing. Allele origin: germline. Affected: yes.
Comment: Not observed in large population cohorts (gnomAD); In silico analysis, which includes protein predictors and evolutionary conservation, supports a deleterious effect; Has not been previously published as pathogenic or benign to our knowledge

NM_001194.4(HCN2):c.571C>T (p.Arg191Cys)

Gene: HCN2 (hyperpolarization activated cyclic nucleotide gated potassium and sodium channel 2; plus strand). Cytogenetic location: 19p13.3.
Variant type: single nucleotide variant.
Coding change: c.571C>T on transcript NM_001194.4 (MANE Select); coding-DNA position 571, C replaced by T.
Protein change: p.Arg191Cys; replaces arginine 191 with cysteine.
Molecular consequence: missense variant.
Genome position (GRCh38, 1-based): chr19:590,516, C>T. VCF-style: chr19-590516-C-T. GRCh37 (hg19) VCF-style: chr19-590516-C-T.
Other names: short protein forms R191C.
Identifiers: ClinVar variation 1312219 (VCV001312219.4), dbSNP rs2144499659, ClinGen allele CA402869458.